The following is an entry in ClinVar:

NM_032383.5(HPS3):c.1191G>A (p.Arg397=)

Gene: HPS3 (HPS3 biogenesis of lysosomal organelles complex 2 subunit 1; plus strand). Cytogenetic location: 3q24.
Variant type: single nucleotide variant.
Coding change: c.1191G>A on transcript NM_032383.5 (MANE Select); coding-DNA position 1191, G replaced by A.
Protein change: p.Arg397=; no amino-acid change (arginine 397 retained).
Molecular consequence: synonymous variant.
Genome position (GRCh38, 1-based): chr3:149,150,626, G>A. VCF-style: chr3-149150626-G-A. GRCh37 (hg19) VCF-style: chr3-148868413-G-A.
Other names: p.Arg397=; c.696G>A, p.Arg232= (NM_001308258.2).
Identifiers: ClinVar variation 2118557 (VCV002118557.5), dbSNP rs1159935157, ClinGen allele CA436206093.
Genomic context (GRCh38, chr3:149,150,626, plus strand): 5'-ACTTTGCTCAGCAGCCTGTGTCTTCCTCCTCAGTAACAACCTGCAGTGTTTCACTGTGCG[G>A]TGCAGTGCGGCGGCAGCTCGTGAGGAGGACCCGTACATGGACACCACCCTGAAGGTAAGA-3'
Protein context (NP_115759.2, residues 387-407): TSNNLQCFTV[Arg397=]CSAAAAREED

ClinVar aggregate classification (germline): Likely benign. Review status: criteria provided, multiple submitters, no conflicts (2 of 4 stars). 2 submissions from 2 submitters: Likely benign (2). Last evaluated 2025-07-16.

Allele frequency attached by ClinVar (database versions not stated): gnomAD exomes 0.00001.
gnomAD v4.1: 11 of 1,614,110 alleles (0.00068%); highest among the groups gnomAD compares: Non-Finnish European, 0.00093%; no homozygotes.

Submissions (2):

Mayo Clinic Laboratories, Mayo Clinic
Classification: Likely benign. Last evaluated: 2025-07-16. Review status: criteria provided, single submitter. Criteria: ACMG Guidelines, 2015. Collection method: clinical testing. Allele origin: germline. Observed: 1 variant allele.
Comment: BS1_supporting, BP4, BP7

Labcorp Genetics (formerly Invitae), Labcorp
Classification: Likely benign. Last evaluated: 2022-05-21. Review status: criteria provided, single submitter. Criteria: Invitae Variant Classification Sherloc (09022015). Collection method: clinical testing. Allele origin: germline.